The following is an entry in ClinVar:

ClinVar aggregate classification (germline): Uncertain significance (1 of 4 stars; one submission).

Conditions:
Dyskeratosis congenita. Identifiers: Orphanet 1775, MedGen C0265965, MONDO:0015780.

Submission:

Ambry Genetics
Classification: Uncertain significance for Dyskeratosis congenita. Last evaluated: 2024-02-20. Review status: criteria provided, single submitter. Criteria: Ambry Variant Classification Scheme 2023. Collection method: clinical testing. Allele origin: germline.
Comment: The p.L1115V variant (also known as c.3343C>G), located in coding exon 16 of the TERT gene, results from a C to G substitution at nucleotide position 3343. The leucine at codon 1115 is replaced by valine, an amino acid with highly similar properties. This amino acid position is conserved. In addition, the in silico prediction for this alteration is inconclusive. Based on the available evidence, the clinical significance of this alteration remains unclear.

NM_198253.3(TERT):c.3343C>G (p.Leu1115Val)

Gene: TERT (telomerase reverse transcriptase; minus strand). Cytogenetic location: 5p15.33.
Variant type: single nucleotide variant.
Coding change: c.3343C>G on transcript NM_198253.3 (MANE Select); coding-DNA position 3343, C replaced by G.
Protein change: p.Leu1115Val; replaces leucine 1115 with valine.
Molecular consequence: missense variant. On other transcripts: non-coding transcript variant (2).
Genome position (GRCh38, 1-based): chr5:1,253,784, G>C on the plus strand (C>G on the coding strand, the complement: TERT is on the minus strand). VCF-style: chr5-1253784-G-C. GRCh37 (hg19) VCF-style: chr5-1253899-G-C.
Other names: c.3154C>G, p.Leu1052Val (NM_001193376.3); c.3343C>G, p.Leu1115Val (NM_003219.1); short protein forms L1052V, L1115V.
Identifiers: ClinVar variation 3238612 (VCV003238612.1), dbSNP rs2126557086.